The following is an entry in ClinVar:

NM_030957.4(ADAMTS10):c.1804C>T (p.Pro602Ser)

Gene: ADAMTS10 (ADAM metallopeptidase with thrombospondin type 1 motif 10; minus strand). Cytogenetic location: 19p13.2.
Variant type: single nucleotide variant.
Coding change: c.1804C>T on transcript NM_030957.4 (MANE Select); coding-DNA position 1804, C replaced by T.
Protein change: p.Pro602Ser; replaces proline 602 with serine.
Molecular consequence: missense variant. On other transcripts: synonymous variant (1).
Genome position (GRCh38, 1-based): chr19:8,589,985, G>A on the plus strand (C>T on the coding strand, the complement: ADAMTS10 is on the minus strand). VCF-style: chr19-8589985-G-A. GRCh37 (hg19) VCF-style: chr19-8654869-G-A.
Other names: c.276C>T, p.Val92= (NM_001282352.2); short protein forms P602S.
Identifiers: ClinVar variation 1446126 (VCV001446126.5), dbSNP rs782504666, ClinGen allele CA9160343.

ClinVar aggregate classification (germline): Uncertain significance (1 of 4 stars; one submission).

Allele frequency attached by ClinVar (database versions not stated): ExAC 0.00002.
gnomAD v4.1: 5 of 1,612,800 alleles (0.00031%); highest among the groups gnomAD compares: Admixed American, 0.0067%; no homozygotes.

Submission:

Labcorp Genetics (formerly Invitae), Labcorp
Classification: Uncertain significance. Last evaluated: 2022-03-13. Review status: criteria provided, single submitter. Criteria: Invitae Variant Classification Sherloc (09022015). Collection method: clinical testing. Allele origin: germline.
Comment: This sequence change replaces proline, which is neutral and non-polar, with serine, which is neutral and polar, at codon 602 of the ADAMTS10 protein (p.Pro602Ser). This variant is present in population databases (rs782504666, gnomAD 0.01%). This variant has not been reported in the literature in individuals affected with ADAMTS10-related conditions. Algorithms developed to predict the effect of missense changes on protein structure and function (SIFT, PolyPhen-2, Align-GVGD) all suggest that this variant is likely to be disruptive. In summary, the available evidence is currently insufficient to determine the role of this variant in disease. Therefore, it has been classified as a Variant of Uncertain Significance.